The following is an entry in ClinVar:

ClinVar aggregate classification (germline): Uncertain significance (1 of 4 stars; one submission).

Submission:

Women's Health and Genetics/Laboratory Corporation of America, LabCorp
Classification: Uncertain significance. Last evaluated: 2024-11-01. Review status: criteria provided, single submitter. Criteria: LabCorp Variant Classification Summary - May 2015. Collection method: clinical testing. Allele origin: germline.
Comment: Variant summary: ABCA3 c.580A>G (p.Arg194Gly) results in a non-conservative amino acid change in the encoded protein sequence. Four of five in-silico tools predict a damaging effect of the variant on protein function. The variant was absent in 251488 control chromosomes. c.580A>G has been reported in the literature in three compound heterozygous individuals affected with Pulmonary surfactant metabolism dysfunction and two of them are twins in a family (Piersigilli_2015, Garmany_2006). These data indicate that the variant may be associated with disease. To our knowledge, no experimental evidence demonstrating an impact on protein function has been reported. The following publications have been ascertained in the context of this evaluation (PMID: 16641205, 26508177). No submitters have cited clinical-significance assessments for this variant to ClinVar. Based on the evidence outlined above, the variant was classified as VUS-possibly pathogenic.

Literature cited by the submitters: PubMed 16641205; PubMed 26508177.

NM_001089.3(ABCA3):c.580A>G (p.Arg194Gly)

Gene: ABCA3 (ATP binding cassette subfamily A member 3; minus strand). Cytogenetic location: 16p13.3.
Variant type: single nucleotide variant.
Coding change: c.580A>G on transcript NM_001089.3 (MANE Select); coding-DNA position 580, A replaced by G.
Protein change: p.Arg194Gly; replaces arginine 194 with glycine.
Molecular consequence: missense variant.
Genome position (GRCh38, 1-based): chr16:2,323,556, T>C on the plus strand (A>G on the coding strand, the complement: ABCA3 is on the minus strand). VCF-style: chr16-2323556-T-C. GRCh37 (hg19) VCF-style: chr16-2373557-T-C.
Other names: short protein forms R194G.
Identifiers: ClinVar variation 3629886 (VCV003629886.1).